The following is an entry in ClinVar:

ClinVar aggregate classification (germline): Pathogenic (1 of 4 stars; one submission).

Submission:

ISCA site 4
Classification: Pathogenic. Last evaluated: 2011-08-12. Review status: criteria provided, single submitter. Criteria: Kaminsky et al. (Genet Med. 2011). Collection method: clinical testing. Allele origin: unknown. Affected: yes. Observed: 1 variant allele.
Comment: Copy number variation identified through the course of routine clinical cytogenomic testing in postnatal populations. Clinical assertions have been curated as described in Kaminsky et al. 2011.

GRCh38/hg38 17p13.3(chr17:644280-2193615)x3

Genes: ABR (ABR activator of RhoGEF and GTPase; minus strand), ABR-AS1 (ABR antisense RNA 1; plus strand), BHLHA9 (basic helix-loop-helix family member a9; plus strand), CRK (CRK proto-oncogene, adaptor protein; minus strand), CRK-AS1 (CRK antisense RNA 1; plus strand) and 133 more. Cytogenetic location: 17p13.3.
Variant type: copy number gain.
Change: copy number 3 (three copies instead of two) of chr17:644,280-2,193,615 (1.55 Mb, GRCh38 coordinates, 1-based), cytogenetic band 17p13.3.
Identifiers: ClinVar variation 57425 (VCV000057425.1).